The following is an entry in ClinVar:

NM_002691.4(POLD1):c.1412C>T (p.Ser471Phe)

Gene: POLD1 (DNA polymerase delta 1, catalytic subunit; plus strand). Cytogenetic location: 19q13.33.
Variant type: single nucleotide variant.
Coding change: c.1412C>T on transcript NM_002691.4 (MANE Select); coding-DNA position 1412, C replaced by T.
Protein change: p.Ser471Phe; replaces serine 471 with phenylalanine.
Molecular consequence: missense variant. On other transcripts: non-coding transcript variant (1).
Genome position (GRCh38, 1-based): chr19:50,406,435, C>T. VCF-style: chr19-50406435-C-T. GRCh37 (hg19) VCF-style: chr19-50909692-C-T.
Other names: c.1412C>T (NM_002691.2); c.1412C>T, p.Ser471Phe (NM_001256849.1, NM_001308632.1); short protein forms S471F.
Identifiers: ClinVar variation 849130 (VCV000849130.10), dbSNP rs1325345561, ClinGen allele CA406980067.
Genomic context (GRCh38, chr19:50,406,435, plus strand): 5'-CCCGCAGCCCACCAGCCCACCCACCCACCTAGGTGCTGCTGCGGGAGTACAAGCTCCGCT[C>T]CTACACGCTCAATGCCGTGAGCTTCCACTTCCTGGGCGAGCAGAAGGAGGACGTGCAGCA-3'
Protein context (NP_002682.2, residues 461-481): QVLLREYKLR[Ser471Phe]YTLNAVSFHF

ClinVar aggregate classification (germline): Uncertain significance. Review status: criteria provided, multiple submitters, no conflicts (2 of 4 stars). 2 submissions from 2 submitters: Uncertain significance (2). Last evaluated 2026-04-04.

Conditions:
Hereditary cancer-predisposing syndrome. Also called: Tumor predisposition; Hereditary Cancer Syndrome; Hereditary neoplastic syndrome; Neoplastic Syndromes, Hereditary. Identifiers: Orphanet 140162, MedGen C0027672, MeSH D009386, MONDO:0015356.
POLD1-related polyposis and colorectal cancer syndrome (CRCS10). Also called: Colorectal cancer 10; COLORECTAL CANCER, SUSCEPTIBILITY TO, ON CHROMOSOME 19q; Colorectal cancer, susceptibility to, 10. Identifiers: Orphanet 220460, MedGen C2675481, MONDO:0012953, OMIM 612591.

Allele frequency attached by ClinVar (database versions not stated): gnomAD exomes below 0.00001.
gnomAD v4.1: 1 of 1,600,170 alleles (0.000062%); highest among the groups gnomAD compares: Non-Finnish European, 0.000085%; no homozygotes.

Submissions (2):

Ambry Genetics
Classification: Uncertain significance for Hereditary cancer-predisposing syndrome. Last evaluated: 2026-04-04. Review status: criteria provided, single submitter. Criteria: Ambry Variant Classification Scheme 2023. Collection method: clinical testing. Allele origin: germline.
Comment: The p.S471F variant (also known as c.1412C>T), located in coding exon 11 of the POLD1 gene, results from a C to T substitution at nucleotide position 1412. The serine at codon 471 is replaced by phenylalanine, an amino acid with highly dissimilar properties. This amino acid position is conserved. In addition, the in silico prediction for this alteration is inconclusive. Based on the available evidence, the clinical significance of this variant remains unclear.

Labcorp Genetics (formerly Invitae), Labcorp
Classification: Uncertain significance for POLD1-related polyposis and colorectal cancer syndrome. Last evaluated: 2025-07-21. Review status: criteria provided, single submitter. Criteria: Invitae Variant Classification Sherloc (09022015). Collection method: clinical testing. Allele origin: germline.
Comment: This sequence change replaces serine, which is neutral and polar, with phenylalanine, which is neutral and non-polar, at codon 471 of the POLD1 protein (p.Ser471Phe). This variant is not present in population databases (gnomAD no frequency). This variant has not been reported in the literature in individuals affected with POLD1-related conditions. ClinVar contains an entry for this variant (Variation ID: 849130). Invitae Evidence Modeling of protein sequence and biophysical properties (such as structural, functional, and spatial information, amino acid conservation, physicochemical variation, residue mobility, and thermodynamic stability) indicates that this missense variant is expected to disrupt POLD1 protein function with a positive predictive value of 80%. In summary, the available evidence is currently insufficient to determine the role of this variant in disease. Therefore, it has been classified as a Variant of Uncertain Significance.